The following is an entry in ClinVar:

NM_014112.5(TRPS1):c.3263C>T (p.Ala1088Val)

Gene: TRPS1 (transcriptional repressor GATA binding 1; minus strand). Cytogenetic location: 8q23.3.
Variant type: single nucleotide variant.
Coding change: c.3263C>T on transcript NM_014112.5 (MANE Select); coding-DNA position 3263, C replaced by T.
Protein change: p.Ala1088Val; replaces alanine 1088 with valine.
Molecular consequence: missense variant.
Genome position (GRCh38, 1-based): chr8:115,414,645, G>A on the plus strand (C>T on the coding strand, the complement: TRPS1 is on the minus strand). VCF-style: chr8-115414645-G-A. GRCh37 (hg19) VCF-style: chr8-116426873-G-A.
Other names: c.3236C>T, p.Ala1079Val (NM_001282902.3); c.3242C>T, p.Ala1081Val (NM_001282903.3); c.3224C>T, p.Ala1075Val (NM_001330599.2); short protein forms A1075V, A1079V, A1081V, A1088V.
Identifiers: ClinVar variation 3760681 (VCV003760681.2).

ClinVar aggregate classification (germline): Uncertain significance (1 of 4 stars; one submission).

Conditions:
Trichorhinophalangeal dysplasia type I (TRPS1). Also called: TRICHORHINOPHALANGEAL SYNDROME, TYPE I; TRPS I. Identifiers: Orphanet 77258, MedGen C0432233, MONDO:0008596, OMIM 190350.
Trichorhinophalangeal syndrome, type III (TRPS3). Also called: SUGIO-KAJII SYNDROME. Identifiers: Orphanet 77258, MedGen C1860823, OMIM 190351, MONDO:0008597.

gnomAD v4.1: 9 of 1,613,870 alleles (0.00056%); highest among the groups gnomAD compares: African/African-American, 0.004%; no homozygotes.

Submission:

Labcorp Genetics (formerly Invitae), Labcorp
Classification: Uncertain significance for Trichorhinophalangeal syndrome, type III; Trichorhinophalangeal dysplasia type I. Last evaluated: 2025-09-28. Review status: criteria provided, single submitter. Criteria: Invitae Variant Classification Sherloc (09022015). Collection method: clinical testing. Allele origin: germline.
Comment: This sequence change replaces alanine, which is neutral and non-polar, with valine, which is neutral and non-polar, at codon 1088 of the TRPS1 protein (p.Ala1088Val). This variant is not present in population databases (gnomAD no frequency). This variant has not been reported in the literature in individuals affected with TRPS1-related conditions. ClinVar contains an entry for this variant (Variation ID: 3760681). Invitae Evidence Modeling of protein sequence and biophysical properties (such as structural, functional, and spatial information, amino acid conservation, physicochemical variation, residue mobility, and thermodynamic stability) indicates that this missense variant is not expected to disrupt TRPS1 protein function with a negative predictive value of 80%. In summary, the available evidence is currently insufficient to determine the role of this variant in disease. Therefore, it has been classified as a Variant of Uncertain Significance.